The following is an entry in ClinVar:

ClinVar aggregate classification (germline): Uncertain significance (1 of 4 stars; one submission).

Allele frequency attached by ClinVar (database versions not stated): TOPMed below 0.00001.

Submission:

Labcorp Genetics (formerly Invitae), Labcorp
Classification: Uncertain significance. Last evaluated: 2022-07-06. Review status: criteria provided, single submitter. Criteria: Invitae Variant Classification Sherloc (09022015). Collection method: clinical testing. Allele origin: germline.
Comment: In summary, the available evidence is currently insufficient to determine the role of this variant in disease. Therefore, it has been classified as a Variant of Uncertain Significance. Advanced modeling of protein sequence and biophysical properties (such as structural, functional, and spatial information, amino acid conservation, physicochemical variation, residue mobility, and thermodynamic stability) performed at Invitae indicates that this missense variant is not expected to disrupt PNPT1 protein function. This variant has not been reported in the literature in individuals affected with PNPT1-related conditions. This variant is not present in population databases (gnomAD no frequency). This sequence change replaces phenylalanine, which is neutral and non-polar, with leucine, which is neutral and non-polar, at codon 663 of the PNPT1 protein (p.Phe663Leu).

NM_033109.5(PNPT1):c.1989C>G (p.Phe663Leu)

Gene: PNPT1 (polyribonucleotide nucleotidyltransferase 1; minus strand). Cytogenetic location: 2p16.1.
Variant type: single nucleotide variant.
Coding change: c.1989C>G on transcript NM_033109.5 (MANE Select); coding-DNA position 1989, C replaced by G.
Protein change: p.Phe663Leu; replaces phenylalanine 663 with leucine.
Molecular consequence: missense variant.
Genome position (GRCh38, 1-based): chr2:55,643,343, G>C on the plus strand (C>G on the coding strand, the complement: PNPT1 is on the minus strand). VCF-style: chr2-55643343-G-C. GRCh37 (hg19) VCF-style: chr2-55870478-G-C.
Other names: short protein forms F663L.
Identifiers: ClinVar variation 2091838 (VCV002091838.4), dbSNP rs760643019, ClinGen allele CA346923919.